The following is an entry in ClinVar:

NM_152564.5(VPS13B):c.4309C>T (p.Arg1437Cys)

Gene: VPS13B (vacuolar protein sorting 13 homolog B; plus strand). Cytogenetic location: 8q22.2.
Variant type: single nucleotide variant.
Coding change: c.4309C>T on transcript NM_152564.5 (MANE Select); coding-DNA position 4309, C replaced by T.
Protein change: p.Arg1437Cys; replaces arginine 1437 with cysteine.
Molecular consequence: missense variant.
Genome position (GRCh38, 1-based): chr8:99,511,188, C>T. VCF-style: chr8-99511188-C-T. GRCh37 (hg19) VCF-style: chr8-100523416-C-T.
Other names: c.4384C>T (NM_017890.3); c.4384C>T, p.Arg1462Cys (NM_017890.5); short protein forms R1462C, R1437C.
Identifiers: ClinVar variation 2143871 (VCV002143871.4), dbSNP rs765547105, ClinGen allele CA4823514.

ClinVar aggregate classification (germline): Uncertain significance. Review status: criteria provided, multiple submitters, no conflicts (2 of 4 stars). 3 submissions from 3 submitters: Uncertain significance (2). 1 of the submissions does not count toward it. Last evaluated 2024-11-11.

Conditions:
Cohen syndrome (COH1). Also called: PEPPER SYNDROME; Cutis verticis gyrata, retinitis pigmentosa, and sensorineural deafness. Identifiers: Orphanet 193, MedGen C0265223, MONDO:0008999, OMIM 216550.
VPS13B-related disorder. Also called: VPS13B-related condition.

Allele frequency attached by ClinVar (database versions not stated): gnomAD 0.00001; gnomAD exomes 0.00001; ExAC 0.00002; TOPMed 0.00002.
gnomAD v4.1: 14 of 1,613,820 alleles (0.00087%); highest among the groups gnomAD compares: African/African-American, 0.0013%; no homozygotes.

Submissions (3):

Labcorp Genetics (formerly Invitae), Labcorp
Classification: Uncertain significance for Cohen syndrome. Last evaluated: 2024-11-11. Review status: criteria provided, single submitter. Criteria: Invitae Variant Classification Sherloc (09022015). Collection method: clinical testing. Allele origin: germline.
Comment: This sequence change replaces arginine, which is basic and polar, with cysteine, which is neutral and slightly polar, at codon 1462 of the VPS13B protein (p.Arg1462Cys). This variant is present in population databases (rs765547105, gnomAD 0.004%). This variant has not been reported in the literature in individuals affected with VPS13B-related conditions. ClinVar contains an entry for this variant (Variation ID: 2143871). Invitae Evidence Modeling of protein sequence and biophysical properties (such as structural, functional, and spatial information, amino acid conservation, physicochemical variation, residue mobility, and thermodynamic stability) indicates that this missense variant is expected to disrupt VPS13B protein function with a positive predictive value of 80%. In summary, the available evidence is currently insufficient to determine the role of this variant in disease. Therefore, it has been classified as a Variant of Uncertain Significance.

GeneDx
Classification: Uncertain significance. Last evaluated: 2022-09-08. Review status: criteria provided, single submitter. Criteria: GeneDx Variant Classification Process June 2021. Collection method: clinical testing. Allele origin: germline. Affected: yes.
Comment: Not observed at significant frequency in large population cohorts (gnomAD); In silico analysis supports that this missense variant has a deleterious effect on protein structure/function; Has not been previously published as pathogenic or benign to our knowledge

PreventionGenetics, part of Exact Sciences
Classification: Uncertain significance for VPS13B-related condition. Last evaluated: 2024-06-10. Review status: no assertion criteria provided. Collection method: clinical testing. Allele origin: germline. Not counted in ClinVar's aggregate classification.
Comment: The VPS13B c.4309C>T variant is predicted to result in the amino acid substitution p.Arg1437Cys. To our knowledge, this variant has not been reported in the literature. This variant is reported in 0.0044% of alleles in individuals of European (Non-Finnish) descent in gnomAD. At this time, the clinical significance of this variant is uncertain due to the absence of conclusive functional and genetic evidence.